The following is an entry in ClinVar:

NM_000531.6(OTC):c.593A>T (p.Asn198Ile)

Gene: OTC (ornithine transcarbamylase; plus strand). Cytogenetic location: Xp11.4.
Variant type: single nucleotide variant.
Coding change: c.593A>T on transcript NM_000531.6 (MANE Select); coding-DNA position 593, A replaced by T.
Protein change: p.Asn198Ile; replaces asparagine 198 with isoleucine.
Molecular consequence: missense variant.
Genome position (GRCh38, 1-based): chrX:38,403,670, A>T. VCF-style: chrX-38403670-A-T. GRCh37 (hg19) VCF-style: chrX-38262923-A-T.
Other names: short protein forms N198I.
Identifiers: ClinVar variation 97262 (VCV000097262.2), dbSNP rs72558403, ClinGen allele CA224697.

ClinVar aggregate classification (germline): Pathogenic (0 of 4 stars; one submission).

Submission:

GenMed Metabolism Lab
Classification: Pathogenic. Review status: no assertion criteria provided. Collection method: not provided. Allele origin: unknown.
Comment: p.Asn198Ile, Neonatal
ClinVar note: Converted during submission from pathogenic to Pathogenic.